The following is an entry in ClinVar:

NM_001199397.3(NEK1):c.1388C>T (p.Ala463Val)

Gene: NEK1 (NIMA related kinase 1; minus strand). Cytogenetic location: 4q33.
Variant type: single nucleotide variant.
Coding change: c.1388C>T on transcript NM_001199397.3 (MANE Select); coding-DNA position 1388, C replaced by T.
Protein change: p.Ala463Val; replaces alanine 463 with valine.
Molecular consequence: missense variant. On other transcripts: non-coding transcript variant (1).
Genome position (GRCh38, 1-based): chr4:169,555,974, G>A on the plus strand (C>T on the coding strand, the complement: NEK1 is on the minus strand). VCF-style: chr4-169555974-G-A. GRCh37 (hg19) VCF-style: chr4-170477125-G-A.
Other names: c.1388C>T, p.Ala463Val (NM_001199398.3, NM_001199400.3, NM_001374418.1 and 2 more transcripts); c.1313C>T, p.Ala438Val (NM_001199399.3); c.1337C>T, p.Ala446Val (NM_001374420.1); c.1262C>T, p.Ala421Val (NM_001374421.1); c.1388C>T (NM_001199397.2); short protein forms A463V, A438V, A421V, A446V.
Identifiers: ClinVar variation 348114 (VCV000348114.24), dbSNP rs34540355, ClinGen allele CA3137754.

ClinVar aggregate classification (germline): Benign/Likely benign. Review status: criteria provided, multiple submitters, no conflicts (2 of 4 stars). 11 submissions from 11 submitters: Benign (6); Likely benign (3). 2 of the submissions do not count toward it. Last evaluated 2026-02-04.

Conditions:
Connective tissue disorder. Also called: Connective tissue disease. Identifiers: MedGen C0009782, MONDO:0003900.
Short-rib thoracic dysplasia 6 with or without polydactyly (SRTD6). Also called: POLYDACTYLY WITH NEONATAL CHONDRODYSTROPHY, TYPE II; SHORT RIB-POLYDACTYLY SYNDROME, TYPE IIA; SHORT-RIB THORACIC DYSPLASIA 6 WITH POLYDACTYLY; SHORT-RIB THORACIC DYSPLASIA 6 WITHOUT POLYDACTYLY; Majewski Syndrome. Identifiers: MedGen C0024507, MONDO:0009894, OMIM 263520.

Allele frequency attached by ClinVar (database versions not stated): 1000 Genomes Project 0.01617; 1000 Genomes Project 30x 0.01827; ExAC 0.03513; gnomAD exomes 0.03578 and 0.05488; gnomAD 0.03580 and 0.03694; TOPMed 0.03716; ESP Exome Variant Server 0.04257.
gnomAD v4.1: 85,236 of 1,613,538 alleles (5.3%); highest among the groups gnomAD compares: Non-Finnish European, 6.5%; 2,679 homozygotes.

Submissions (11):

Labcorp Genetics (formerly Invitae), Labcorp
Classification: Benign for Short-rib thoracic dysplasia 6 with or without polydactyly. Last evaluated: 2026-02-04. Review status: criteria provided, single submitter. Criteria: Invitae Variant Classification Sherloc (09022015). Collection method: clinical testing. Allele origin: germline.

Blueprint Genetics
Classification: Likely benign. Last evaluated: 2024-11-26. Review status: criteria provided, single submitter. Criteria: ACMG Guidelines, 2015. Collection method: clinical testing. Allele origin: germline.

Genome Diagnostics Laboratory, The Hospital for Sick Children
Classification: Benign for Connective tissue disorder. Last evaluated: 2022-05-17. Review status: criteria provided, single submitter. Criteria: ACMG Guidelines, 2015. Collection method: clinical testing. Allele origin: germline.

Mayo Clinic Laboratories, Mayo Clinic
Classification: Benign. Last evaluated: 2022-03-09. Review status: criteria provided, single submitter. Criteria: ACMG Guidelines, 2015. Collection method: clinical testing. Allele origin: germline. Observed: 6 variant alleles.

Illumina Laboratory Services, Illumina
Classification: Benign for Short-rib thoracic dysplasia 6 with or without polydactyly. Last evaluated: 2018-01-13. Review status: criteria provided, single submitter. Criteria: ICSL Variant Classification Criteria 13 December 2019. Collection method: clinical testing. Allele origin: germline.
Comment: This variant was observed in the ICSL laboratory as part of a predisposition screen in an ostensibly healthy population. It had not been previously curated by ICSL or reported in the Human Gene Mutation Database (HGMD: prior to June 1st, 2018), and was therefore a candidate for classification through an automated scoring system. Utilizing variant allele frequency, disease prevalence and penetrance estimates, and inheritance mode, an automated score was calculated to assess if this variant is too frequent to cause the disease. Based on the score and internal cut-off values, a variant classified as benign is not then subjected to further curation. The score for this variant resulted in a classification of benign for this disease.

Genome Diagnostics Laboratory, University Medical Center Utrecht
Classification: Likely benign for Short-rib thoracic dysplasia 6 with or without polydactyly. Last evaluated: 2016-05-13. Review status: criteria provided, single submitter. Criteria: ACGS Guidelines, 2013. Collection method: clinical testing. Allele origin: germline. Affected: yes. Study: VKGL Data-share Consensus.

GeneDx
Classification: Benign. Last evaluated: 2016-04-26. Review status: criteria provided, single submitter. Criteria: GeneDx Variant Classification (06012015). Collection method: clinical testing. Allele origin: germline. Affected: yes.
Comment: This variant is considered likely benign or benign based on one or more of the following criteria: it is a conservative change, it occurs at a poorly conserved position in the protein, it is predicted to be benign by multiple in silico algorithms, and/or has population frequency not consistent with disease.

Clinical Genetics DNA and cytogenetics Diagnostics Lab, Erasmus MC, Erasmus Medical Center
Classification: Benign for Short-rib thoracic dysplasia 6 with or without polydactyly. Last evaluated: 2015-09-21. Review status: criteria provided, single submitter. Criteria: ACGS Guidelines, 2013. Collection method: clinical testing. Allele origin: germline. Affected: yes. Study: VKGL Data-share Consensus.

Breakthrough Genomics
Classification: Likely benign. Review status: criteria provided, single submitter. Criteria: ACMG Guidelines, 2015. Collection method: not provided. Allele origin: germline. Inheritance: Autosomal recessive inheritance. Affected: yes.

Clinical Genetics, Academic Medical Center
Classification: Benign. Review status: no assertion criteria provided. Collection method: clinical testing. Allele origin: germline. Affected: yes. Study: VKGL Data-share Consensus. Not counted in ClinVar's aggregate classification.

Laboratory of Diagnostic Genome Analysis, Leiden University Medical Center (LUMC)
Classification: Likely benign. Review status: no assertion criteria provided. Collection method: clinical testing. Allele origin: germline. Affected: yes. Study: VKGL Data-share Consensus. Not counted in ClinVar's aggregate classification.